The following is an entry in ClinVar:

ClinVar aggregate classification (germline): Uncertain significance (1 of 4 stars; one submission).

Conditions:
Hereditary pheochromocytoma and paraganglioma. Also called: Hereditary paragangliomas and pheochromocytomas; Hereditary Paraganglioma-Pheochromocytoma Syndromes; Hereditary pheochromocytoma-paraganglioma. Identifiers: Orphanet 29072, MedGen C4274332, MONDO:0017366.

Submission:

Labcorp Genetics (formerly Invitae), Labcorp
Classification: Uncertain significance for Hereditary pheochromocytoma and paraganglioma. Last evaluated: 2021-12-24. Review status: criteria provided, single submitter. Criteria: Invitae Variant Classification Sherloc (09022015). Collection method: clinical testing. Allele origin: germline.
Comment: In summary, the available evidence is currently insufficient to determine the role of this variant in disease. Therefore, it has been classified as a Variant of Uncertain Significance. Algorithms developed to predict the effect of missense changes on protein structure and function are either unavailable or do not agree on the potential impact of this missense change (SIFT: "Deleterious"; PolyPhen-2: "Probably Damaging"; Align-GVGD: "Class C0"). This variant has not been reported in the literature in individuals affected with SDHAF2-related conditions. This variant is not present in population databases (gnomAD no frequency). This sequence change replaces threonine, which is neutral and polar, with proline, which is neutral and non-polar, at codon 123 of the SDHAF2 protein (p.Thr123Pro).

NM_017841.4(SDHAF2):c.367A>C (p.Thr123Pro)

Gene: SDHAF2 (succinate dehydrogenase complex assembly factor 2; plus strand). Cytogenetic location: 11q12.2.
Variant type: single nucleotide variant.
Coding change: c.367A>C on transcript NM_017841.4 (MANE Select); coding-DNA position 367, A replaced by C.
Protein change: p.Thr123Pro; replaces threonine 123 with proline.
Molecular consequence: missense variant.
Genome position (GRCh38, 1-based): chr11:61,438,110, A>C. VCF-style: chr11-61438110-A-C. GRCh37 (hg19) VCF-style: chr11-61205582-A-C.
Other names: short protein forms T123P.
Identifiers: ClinVar variation 2057257 (VCV002057257.4), dbSNP rs2540125057, ClinGen allele CA380684247.